The following is an entry in ClinVar:

ClinVar aggregate classification (germline): Likely benign. Review status: criteria provided, multiple submitters, no conflicts (2 of 4 stars). 3 submissions from 3 submitters: Likely benign (2). 1 of the submissions does not count toward it. Last evaluated 2025-10-23.

Conditions:
Hereditary spastic paraplegia 39 (SPG39). Also called: Spastic Paraplegia Type 39 (SPG39); SPASTIC PARAPLEGIA 39, AUTOSOMAL RECESSIVE. Identifiers: Orphanet 139480, MedGen C2677586, MONDO:0012787, OMIM 612020.
PNPLA6-related disorder. Also called: PNPLA6-related disorders; PNPLA6-related condition.

Allele frequency attached by ClinVar (database versions not stated): ESP Exome Variant Server 0.00008; 1000 Genomes Project 30x 0.00016; TOPMed 0.00016; 1000 Genomes Project 0.00020.

Submissions (3):

Labcorp Genetics (formerly Invitae), Labcorp
Classification: Likely benign for Hereditary spastic paraplegia 39. Last evaluated: 2025-10-23. Review status: criteria provided, single submitter. Criteria: Invitae Variant Classification Sherloc (09022015). Collection method: clinical testing. Allele origin: germline.

Blueprint Genetics
Classification: Likely benign. Last evaluated: 2024-10-21. Review status: criteria provided, single submitter. Criteria: ACMG Guidelines, 2015. Collection method: clinical testing. Allele origin: germline.

PreventionGenetics, part of Exact Sciences
Classification: Likely benign for PNPLA6-related condition. Last evaluated: 2019-09-20. Review status: no assertion criteria provided. Collection method: clinical testing. Allele origin: germline. Not counted in ClinVar's aggregate classification.
Comment: This variant is classified as likely benign based on ACMG/AMP sequence variant interpretation guidelines (Richards et al. 2015 PMID: 25741868, with internal and published modifications).

NM_001166114.2(PNPLA6):c.3405C>T (p.Ile1135=)

Gene: PNPLA6 (patatin like domain 6, lysophospholipase; plus strand). Cytogenetic location: 19p13.2.
Variant type: single nucleotide variant.
Coding change: c.3405C>T on transcript NM_001166114.2 (MANE Select); coding-DNA position 3405, C replaced by T.
Protein change: p.Ile1135=; no amino-acid change (isoleucine 1135 retained).
Molecular consequence: synonymous variant.
Genome position (GRCh38, 1-based): chr19:7,558,857, C>T. VCF-style: chr19-7558857-C-T. GRCh37 (hg19) VCF-style: chr19-7623743-C-T.
Other names: c.3435C>T (NM_001166111.1); c.3435C>T, p.Ile1145= (NM_001166111.2); c.3210C>T, p.Ile1070= (NM_001166112.2); c.3291C>T, p.Ile1097= (NM_001166113.1, NM_006702.5).
Identifiers: ClinVar variation 469618 (VCV000469618.15), dbSNP rs371848168, ClinGen allele CA9140482.
Genomic context (GRCh38, chr19:7,558,857, plus strand): 5'-CTCTGCCCCGGGCCCCCGAGGGGAGCAGCCCGCTGACCCCCCTGGCCCCACAGCGGACAT[C>T]GCCCGCAGCATGGGTGCCAAAACGGTCATCGCCATTGACGTGGGGAGCCAGGATGAGACG-3'
Protein context (NP_001159586.1, residues 1125-1145): GGYINNLPAD[Ile1135=]ARSMGAKTVI